The following is an entry in ClinVar:

NM_003002.4(SDHD):c.49C>G (p.Arg17Gly)

Genes: SDHD (succinate dehydrogenase complex subunit D; plus strand), LOC126861339 (BRD4-independent group 4 enhancer GRCh37_chr11:111957035-111958234; plus strand). Cytogenetic location: 11q23.1.
Variant type: single nucleotide variant.
Coding change: c.49C>G on transcript NM_003002.4 (MANE Select); coding-DNA position 49, C replaced by G.
Protein change: p.Arg17Gly; replaces arginine 17 with glycine.
Molecular consequence: missense variant. On other transcripts: non-coding transcript variant (1).
Genome position (GRCh38, 1-based): chr11:112,086,956, C>G. VCF-style: chr11-112086956-C-G. GRCh37 (hg19) VCF-style: chr11-111957680-C-G.
Other names: c.49C>G, p.Arg17Gly (NM_001276503.2, NM_001276504.2, NM_001276506.2); short protein forms R17G.
Identifiers: ClinVar variation 947980 (VCV000947980.19), dbSNP rs1314133983, ClinGen allele CA382616758.

ClinVar aggregate classification (germline): Uncertain significance. Review status: criteria provided, multiple submitters, no conflicts (2 of 4 stars). 5 submissions from 5 submitters: Uncertain significance (5). Last evaluated 2024-11-28.

Conditions:
Carney-Stratakis syndrome. Also called: PARAGANGLIOMA AND GASTROINTESTINAL STROMAL TUMOR. Identifiers: Orphanet 97286, MedGen C1847319, MONDO:0011740, OMIM 606864.
Pheochromocytoma. Also called: MAX-Related Hereditary Paraganglioma-Pheochromocytoma Syndrome. Identifiers: Orphanet 29072, MedGen C0031511, MONDO:0008233, OMIM 171300, HP:0002666.
Cowden syndrome 3 (CWS3). Identifiers: Orphanet 201, MedGen CN166604, MONDO:0014045.
Paragangliomas with sensorineural hearing loss. Identifiers: MedGen C1868633.
Hereditary pheochromocytoma and paraganglioma. Also called: Hereditary pheochromocytoma-paraganglioma; Hereditary Paraganglioma-Pheochromocytoma Syndromes; Hereditary paragangliomas and pheochromocytomas. Identifiers: Orphanet 29072, MedGen C4274332, MONDO:0017366.
Hereditary cancer-predisposing syndrome. Also called: Hereditary neoplastic syndrome; Hereditary Cancer Syndrome; Tumor predisposition; Neoplastic Syndromes, Hereditary. Identifiers: Orphanet 140162, MedGen C0027672, MeSH D009386, MONDO:0015356.

Allele frequency attached by ClinVar (database versions not stated): gnomAD exomes below 0.00001; TOPMed below 0.00001; gnomAD 0.00001.
gnomAD v4.1: 2 of 1,613,964 alleles (0.00012%); highest among the groups gnomAD compares: Non-Finnish European, 0.00017%; no homozygotes.

Submissions (5):

Labcorp Genetics (formerly Invitae), Labcorp
Classification: Uncertain significance for Carney-Stratakis syndrome; Paragangliomas with sensorineural hearing loss; Pheochromocytoma; Cowden syndrome 3. Last evaluated: 2024-11-28. Review status: criteria provided, single submitter. Criteria: Invitae Variant Classification Sherloc (09022015). Collection method: clinical testing. Allele origin: germline.
Comment: This sequence change replaces arginine, which is basic and polar, with glycine, which is neutral and non-polar, at codon 17 of the SDHD protein (p.Arg17Gly). This variant is not present in population databases (gnomAD no frequency). This variant has not been reported in the literature in individuals affected with SDHD-related conditions. ClinVar contains an entry for this variant (Variation ID: 947980). Invitae Evidence Modeling of protein sequence and biophysical properties (such as structural, functional, and spatial information, amino acid conservation, physicochemical variation, residue mobility, and thermodynamic stability) indicates that this missense variant is not expected to disrupt SDHD protein function with a negative predictive value of 80%. In summary, the available evidence is currently insufficient to determine the role of this variant in disease. Therefore, it has been classified as a Variant of Uncertain Significance.

Ambry Genetics
Classification: Uncertain significance for Hereditary cancer-predisposing syndrome. Last evaluated: 2024-05-01. Review status: criteria provided, single submitter. Criteria: Ambry Variant Classification Scheme 2023. Collection method: clinical testing. Allele origin: germline.
Comment: The p.R17G variant (also known as c.49C>G), located in coding exon 1 of the SDHD gene, results from a C to G substitution at nucleotide position 49. The arginine at codon 17 is replaced by glycine, an amino acid with dissimilar properties. This amino acid position is highly conserved in available vertebrate species. In addition, this alteration is predicted to be deleterious by in silico analysis. Since supporting evidence is limited at this time, the clinical significance of this alteration remains unclear.

All of Us Research Program, National Institutes of Health
Classification: Uncertain significance for Hereditary pheochromocytoma and paraganglioma. Last evaluated: 2023-11-30. Review status: criteria provided, single submitter. Criteria: ACMG Guidelines, 2015. Collection method: clinical testing. Allele origin: germline. Inheritance: Autosomal dominant inheritance. Observed: 3 variant alleles, 3 heterozygotes.
Comment: This missense variant replaces arginine with glycine at codon 17 of the SDHD protein. Computational prediction is inconclusive regarding the impact of this variant on protein structure and function (internally defined REVEL score threshold 0.5 < inconclusive < 0.7, PMID: 27666373). To our knowledge, functional studies have not been reported for this variant. This variant has not been reported in individuals affected with SDHD-related disorders in the literature. This variant has not been identified in the general population by the Genome Aggregation Database (gnomAD). The available evidence is insufficient to determine the role of this variant in disease conclusively. Therefore, this variant is classified as a Variant of Uncertain Significance.

This study involves interpretation of variants in research participants for the purpose of population health screening. Participant phenotype was not available at the time of variant classification. Additional details can be found in publication PMID: 35346344, PMCID: PMC8962531

GeneDx
Classification: Uncertain significance. Last evaluated: 2022-08-23. Review status: criteria provided, single submitter. Criteria: GeneDx Variant Classification Process June 2021. Collection method: clinical testing. Allele origin: germline. Affected: yes.
Comment: Not observed at significant frequency in large population cohorts (gnomAD); In silico analysis supports that this missense variant has a deleterious effect on protein structure/function; Has not been previously published as pathogenic or benign to our knowledge

Genetic Services Laboratory, University of Chicago
Classification: Uncertain significance. Last evaluated: 2020-03-04. Review status: criteria provided, single submitter. Criteria: ACMG Guidelines, 2015. Collection method: clinical testing. Allele origin: germline. Affected: no.
Comment: DNA sequence analysis of the SDHD gene demonstrated a sequence change, c.49C>G, in exon 1 that results in an amino acid change, p.Arg17Gly. This sequence change has also not been described in population databases (gnomAD, ExAC). While this sequence change has not been previously described in patients with SDHD-related disorders, a different amino acid change at the same location, p.Arg17Leu, has been reported in patients with paraganglioma (PMIDs: 17848412, 29386252, 20208144). The p.Arg17Gly change affects a moderately conserved amino acid residue located in a domain of the SDHD protein that is not known to be functional. In-silico pathogenicity prediction tools (SIFT, PolyPhen2, Align GVGD, REVEL) provide contradictory results for the p.Arg17Gly substitution. Due to these contrasting evidences and the lack of functional studies, the clinical significance of the p.Arg17Gly change remains unknown at this time.